The following is an entry in ClinVar:

ClinVar aggregate classification (germline): Uncertain significance (1 of 4 stars; one submission).

Allele frequency attached by ClinVar (database versions not stated): gnomAD exomes 0.00001 and 0.00002; ExAC 0.00004; gnomAD 0.00013 and 0.00014; TOPMed 0.00014; ESP Exome Variant Server 0.00031.
gnomAD v4.1: 34 of 1,612,950 alleles (0.0021%); highest among the groups gnomAD compares: African/African-American, 0.044%; no homozygotes.

Submission:

Labcorp Genetics (formerly Invitae), Labcorp
Classification: Uncertain significance. Last evaluated: 2023-11-27. Review status: criteria provided, single submitter. Criteria: Invitae Variant Classification Sherloc (09022015). Collection method: clinical testing. Allele origin: germline.
Comment: This sequence change replaces alanine, which is neutral and non-polar, with valine, which is neutral and non-polar, at codon 151 of the PIGP protein (p.Ala151Val). This variant is present in population databases (rs139467537, gnomAD 0.03%). This variant has not been reported in the literature in individuals affected with PIGP-related conditions. ClinVar contains an entry for this variant (Variation ID: 1431817). An algorithm developed to predict the effect of missense changes on protein structure and function (PolyPhen-2) suggests that this variant¬†is likely to be tolerated. In summary, the available evidence is currently insufficient to determine the role of this variant in disease. Therefore, it has been classified as a Variant of Uncertain Significance.

NM_153682.3(PIGP):c.380C>T (p.Ala127Val)

Gene: PIGP (phosphatidylinositol glycan anchor biosynthesis class P; minus strand). Cytogenetic location: 21q22.13.
Variant type: single nucleotide variant.
Coding change: c.380C>T on transcript NM_153682.3 (MANE Select); coding-DNA position 380, C replaced by T.
Protein change: p.Ala127Val; replaces alanine 127 with valine.
Molecular consequence: missense variant.
Genome position (GRCh38, 1-based): chr21:37,065,607, G>A on the plus strand (C>T on the coding strand, the complement: PIGP is on the minus strand). VCF-style: chr21-37065607-G-A. GRCh37 (hg19) VCF-style: chr21-38437907-G-A.
Other names: c.380C>T, p.Ala127Val (NM_001320480.2); c.302C>T, p.Ala101Val (NM_016430.4); c.452C>T, p.Ala151Val (NM_153681.2); short protein forms A101V, A127V, A151V.
Identifiers: ClinVar variation 1431817 (VCV001431817.4), dbSNP rs139467537, ClinGen allele CA10021021.